The following is an entry in ClinVar:

NM_001042492.3(NF1):c.6560_6581del (p.Ser2186_Phe2187insTer)

Gene: NF1 (neurofibromin 1; plus strand). Cytogenetic location: 17q11.2.
Variant type: Deletion.
Coding change: c.6560_6581del on transcript NM_001042492.3 (MANE Select); coding-DNA positions 6560 to 6581, 22 bases deleted (TCTCTCCTGGCTCCTATGAGAG).
Protein change: p.Ser2186_Phe2187insTer.
Molecular consequence: nonsense. On other transcripts: frameshift variant (1).
Genome position (GRCh38, 1-based): chr17:31,337,500-31,337,521, TCTCTCCTGGCTCCTATGAGAG deleted. VCF-style (leftmost placement, unchanged base first): chr17-31337499-TTCTCTCCTGGCTCCTATGAGAG-T. GRCh37 (hg19) VCF-style: chr17-29664517-TTCTCTCCTGGCTCCTATGAGAG-T.
Other names: c.6497_6518del22, p.Phe2166Terfs (NM_000267.4).
Identifiers: ClinVar variation 2749647 (VCV002749647.3), dbSNP rs2508753958, ClinGen allele CA2697559563.

ClinVar aggregate classification (germline): Pathogenic (1 of 4 stars; one submission).

Conditions:
Neurofibromatosis, type 1 (NF1). Also called: Peripheral type neurofibromatosis; NEUROFIBROMATOSIS, TYPE I, SOMATIC; VON RECKLINGHAUSEN DISEASE; Neurofibromatosis, type I. Identifiers: Orphanet 636, MedGen C0027831, MONDO:0018975, OMIM 162200. Disease mechanism: loss of function.

Submission:

Labcorp Genetics (formerly Invitae), Labcorp
Classification: Pathogenic for Neurofibromatosis, type 1. Last evaluated: 2023-08-03. Review status: criteria provided, single submitter. Criteria: Invitae Variant Classification Sherloc (09022015). Collection method: clinical testing. Allele origin: germline.
Comment: This sequence change creates a premature translational stop signal (p.Phe2166*) in the NF1 gene. It is expected to result in an absent or disrupted protein product. Loss-of-function variants in NF1 are known to be pathogenic (PMID: 10712197, 23913538). This variant is not present in population databases (gnomAD no frequency). This variant has not been reported in the literature in individuals affected with NF1-related conditions. For these reasons, this variant has been classified as Pathogenic.

Literature cited by the submitters: PubMed 10712197; PubMed 23913538.